The following is an entry in ClinVar:

ClinVar aggregate classification (germline): Uncertain significance (1 of 4 stars; one submission).

Conditions:
Neurofibromatosis, type 1 (NF1). Also called: Peripheral type neurofibromatosis; VON RECKLINGHAUSEN DISEASE; NEUROFIBROMATOSIS, TYPE I, SOMATIC; Neurofibromatosis, type I. Identifiers: Orphanet 636, MedGen C0027831, MONDO:0018975, OMIM 162200. Disease mechanism: loss of function.

Submission:

Labcorp Genetics (formerly Invitae), Labcorp
Classification: Uncertain significance for Neurofibromatosis, type 1. Last evaluated: 2024-01-02. Review status: criteria provided, single submitter. Criteria: Invitae Variant Classification Sherloc (09022015). Collection method: clinical testing. Allele origin: germline.
Comment: This sequence change replaces isoleucine, which is neutral and non-polar, with valine, which is neutral and non-polar, at codon 2036 of the NF1 protein (p.Ile2036Val). This variant is not present in population databases (gnomAD no frequency). This variant has not been reported in the literature in individuals affected with NF1-related conditions. Advanced modeling of protein sequence and biophysical properties (such as structural, functional, and spatial information, amino acid conservation, physicochemical variation, residue mobility, and thermodynamic stability) performed at Invitae indicates that this missense variant is not expected to disrupt NF1 protein function with a negative predictive value of 95%. In summary, the available evidence is currently insufficient to determine the role of this variant in disease. Therefore, it has been classified as a Variant of Uncertain Significance.

NM_001042492.3(NF1):c.6169A>G (p.Ile2057Val)

Gene: NF1 (neurofibromin 1; plus strand). Cytogenetic location: 17q11.2.
Variant type: single nucleotide variant.
Coding change: c.6169A>G on transcript NM_001042492.3 (MANE Select); coding-DNA position 6169, A replaced by G.
Protein change: p.Ile2057Val; replaces isoleucine 2057 with valine.
Molecular consequence: missense variant.
Genome position (GRCh38, 1-based): chr17:31,336,656, A>G. VCF-style: chr17-31336656-A-G. GRCh37 (hg19) VCF-style: chr17-29663674-A-G.
Other names: c.6106A>G, p.Ile2036Val (NM_000267.4); short protein forms I2057V, I2036V.
Identifiers: ClinVar variation 2706996 (VCV002706996.3), dbSNP rs2508747900, ClinGen allele CA399011755.